The following is an entry in ClinVar:

NM_153006.3(NAGS):c.991C>T (p.Gln331Ter)

Gene: NAGS (N-acetylglutamate synthase; plus strand). Cytogenetic location: 17q21.31.
Variant type: single nucleotide variant.
Coding change: c.991C>T on transcript NM_153006.3 (MANE Select); coding-DNA position 991, C replaced by T.
Protein change: p.Gln331Ter; replaces glutamine 331 with a stop codon.
Molecular consequence: nonsense.
Genome position (GRCh38, 1-based): chr17:44,006,604, C>T. VCF-style: chr17-44006604-C-T. GRCh37 (hg19) VCF-style: chr17-42083972-C-T.
Other names: short protein forms Q331*.
Identifiers: ClinVar variation 4845675 (VCV004845675.1).

ClinVar aggregate classification (germline): Likely pathogenic (1 of 4 stars; one submission).

Conditions:
Hyperammonemia, type III (NAGSD). Also called: Hyperammonemia due to N-acetylglutamate synthase deficiency. Identifiers: Orphanet 927, MedGen C0268543, MONDO:0009377, OMIM 237310.

gnomAD v4.1: 2 of 1,602,818 alleles (0.00012%); highest among the groups gnomAD compares: East Asian, 0.0022%; no homozygotes.

Submission:

First Genomix Gene Laboratory, Genetic Diagnostics Department
Classification: Likely pathogenic for Hyperammonemia, type III. Last evaluated: 2025-01-03. Review status: criteria provided, single submitter. Criteria: ACMG Guidelines, 2015. Collection method: clinical testing. Allele origin: germline. Inheritance: Autosomal recessive inheritance. Affected: no. Observed: 1 variant allele.